The following is an entry in ClinVar:

ClinVar aggregate classification (germline): Uncertain significance. Review status: criteria provided, multiple submitters, no conflicts (2 of 4 stars). 2 submissions from 2 submitters: Uncertain significance (2). Last evaluated 2025-06-03.

Conditions:
Inborn genetic diseases. Identifiers: MedGen C0950123, MeSH D030342.

Submissions (2):

Dasa
Classification: Uncertain significance. Last evaluated: 2025-06-03. Review status: criteria provided, single submitter. Criteria: DASA Assertion Criteria. Collection method: clinical testing. Allele origin: germline.
Comment: NM_152703.5(SAMD9L):c.4685T>C (p.Ile1562Thr) is a missense variant that results in the substitution of isoleucine with threonine. This variant is rare in population databases. Computational prediction algorithms are consistent with a benign effect. The currently available literature and clinical evidence are not sufficient to establish a definitive association between this variant and the reported condition. Therefore, this variant is classified as a variant of uncertain significance.

Ambry Genetics
Classification: Uncertain significance for Inborn genetic diseases. Last evaluated: 2025-01-06. Review status: criteria provided, single submitter. Criteria: Ambry Variant Classification Scheme 2023. Collection method: clinical testing. Allele origin: germline.
Comment: The p.I1562T variant (also known as c.4685T>C), located in coding exon 1 of the SAMD9L gene, results from a T to C substitution at nucleotide position 4685. The isoleucine at codon 1562 is replaced by threonine, an amino acid with similar properties. This amino acid position is conserved. In addition, this alteration is predicted to be tolerated by in silico analysis. Based on the available evidence, the clinical significance of this variant remains unclear.

NM_152703.5(SAMD9L):c.4685T>C (p.Ile1562Thr)

Gene: SAMD9L (sterile alpha motif domain containing 9 like; minus strand). Cytogenetic location: 7q21.2.
Variant type: single nucleotide variant.
Coding change: c.4685T>C on transcript NM_152703.5 (MANE Select); coding-DNA position 4685, T replaced by C.
Protein change: p.Ile1562Thr; replaces isoleucine 1562 with threonine.
Molecular consequence: missense variant.
Genome position (GRCh38, 1-based): chr7:93,131,287, A>G on the plus strand (T>C on the coding strand, the complement: SAMD9L is on the minus strand). VCF-style: chr7-93131287-A-G. GRCh37 (hg19) VCF-style: chr7-92760600-A-G.
Other names: c.4685T>C, p.Ile1562Thr (NM_001303496.3, NM_001303497.3, NM_001303498.3 and 5 more transcripts); short protein forms I1562T.
Identifiers: ClinVar variation 3792279 (VCV003792279.3).